The following is an entry in ClinVar:

ClinVar aggregate classification (germline): Pathogenic (1 of 4 stars; one submission).

Conditions:
Hermansky-Pudlak syndrome 1 (HPS1). Also called: DELTA STORAGE POOL DISEASE. Identifiers: Orphanet 231500, Orphanet 79430, MedGen C2931875, MONDO:0008748, OMIM 203300.

Submission:

Myriad Genetics, Inc.
Classification: Pathogenic for Hermansky-Pudlak syndrome 1. Last evaluated: 2025-01-23. Review status: criteria provided, single submitter. Criteria: Myriad Autosomal Dominant, Autosomal Recessive and X-Linked Classification Criteria (2023). Collection method: clinical testing. Allele origin: unknown.
Comment: NM_000195.3(HPS1):c.438G>A(W146*) is expected to be pathogenic in the context of Hermansky-Pudlak syndrome, HPS1-related. This variant is predicted to lead to an abnormal or absent protein product due to the creation of a premature termination codon in HPS1, a gene where loss-of-function variants are known to be pathogenic. Please note: this variant was assessed in the context of healthy population screening.

NM_000195.5(HPS1):c.438G>A (p.Trp146Ter)

Gene: HPS1 (HPS1 biogenesis of lysosomal organelles complex 3 subunit 1; minus strand). Cytogenetic location: 10q24.2.
Variant type: single nucleotide variant.
Coding change: c.438G>A on transcript NM_000195.5 (MANE Select); coding-DNA position 438, G replaced by A.
Protein change: p.Trp146Ter; replaces tryptophan 146 with a stop codon.
Molecular consequence: nonsense. On other transcripts: 5 prime UTR variant (3), missense variant (3).
Genome position (GRCh38, 1-based): chr10:98,434,052, C>T on the plus strand (G>A on the coding strand, the complement: HPS1 is on the minus strand). VCF-style: chr10-98434052-C-T. GRCh37 (hg19) VCF-style: chr10-100193809-C-T.
Other names: c.-479G>A (NM_001311345.2, NM_001322489.2); c.438G>A, p.Trp146Ter (NM_001322476.2, NM_001322477.2, NM_001322478.2 and 5 more transcripts); c.295G>A, p.Gly99Arg (NM_001322480.2, NM_001322481.2, NM_001322482.2); c.69G>A, p.Trp23Ter (NM_001322483.2, NM_001322484.2, NM_001322485.2); c.-578G>A (NM_001322487.2); short protein forms G99R, W146*, W23*.
Identifiers: ClinVar variation 5014012 (VCV005014012.1).